The following is an entry in ClinVar:

NM_001042492.3(NF1):c.6006G>C (p.Gln2002His)

Gene: NF1 (neurofibromin 1; plus strand). Cytogenetic location: 17q11.2.
Variant type: single nucleotide variant.
Coding change: c.6006G>C on transcript NM_001042492.3 (MANE Select); coding-DNA position 6006, G replaced by C.
Protein change: p.Gln2002His; replaces glutamine 2002 with histidine.
Molecular consequence: missense variant.
Genome position (GRCh38, 1-based): chr17:31,335,031, G>C. VCF-style: chr17-31335031-G-C. GRCh37 (hg19) VCF-style: chr17-29662049-G-C.
Other names: c.5943G>C, p.Gln1981His (NM_000267.4); short protein forms Q1981H, Q2002H.
Identifiers: ClinVar variation 487463 (VCV000487463.10), dbSNP rs1555534432, ClinGen allele CA399010980.

ClinVar aggregate classification (germline): Conflicting classifications of pathogenicity. Review status: criteria provided, conflicting classifications (1 of 4 stars). 5 submissions from 5 submitters: Pathogenic (1); Likely pathogenic (1); Uncertain significance (3). Last evaluated 2026-01-27.

Conditions:
Neurofibromatosis, type 1 (NF1). Also called: Peripheral type neurofibromatosis; NEUROFIBROMATOSIS, TYPE I, SOMATIC; VON RECKLINGHAUSEN DISEASE; Neurofibromatosis, type I. Identifiers: Orphanet 636, MedGen C0027831, MONDO:0018975, OMIM 162200. Disease mechanism: loss of function.
Juvenile myelomonocytic leukemia (JMML). Also called: LEUKEMIA, JUVENILE MYELOMONOCYTIC, SOMATIC. Identifiers: Orphanet 86834, MedGen C0349639, MONDO:0011908, OMIM 607785, HP:0012209.
Neurofibromatosis, familial spinal (FSNF). Identifiers: Orphanet 636, MedGen C1834235, MONDO:0008078, OMIM 162210. Disease mechanism: loss of function.
Neurofibromatosis-Noonan syndrome (NFNS). Also called: NEUROFIBROMATOSIS WITH NOONAN PHENOTYPE. Identifiers: Orphanet 638, MedGen C2931482, MONDO:0011035, OMIM 601321. Disease mechanism: loss of function.
Café-au-lait macules with pulmonary stenosis (WTSN). Also called: PULMONIC STENOSIS WITH CAFE-AU-LAIT SPOTS. Identifiers: MedGen C0553586, MONDO:0008672, OMIM 193520.

Submissions (5):

Myriad Genetics, Inc.
Classification: Likely pathogenic for Neurofibromatosis, type 1. Last evaluated: 2026-01-27. Review status: criteria provided, single submitter. Criteria: Myriad Autosomal Dominant, Autosomal Recessive and X-Linked Classification Criteria (2023). Collection method: clinical testing. Allele origin: unknown.
Comment: This variant is considered likely pathogenic. mRNA analysis has demonstrated abnormal mRNA splicing occurs [PMID: 40225167]. This variant has been reported in multiple individuals with clinical features of gene-specific disease [PMID: 26740943, 31766501, 40225167, 33443663; Myriad internal data].

Labcorp Genetics (formerly Invitae), Labcorp
Classification: Pathogenic for Neurofibromatosis, type 1. Last evaluated: 2024-04-22. Review status: criteria provided, single submitter. Criteria: Invitae Variant Classification Sherloc (09022015). Collection method: clinical testing. Allele origin: germline.
Comment: This sequence change affects codon 1981 of the NF1 mRNA. It is a 'silent' change, meaning that it does not change the encoded amino acid sequence of the NF1 protein. This variant also falls at the last nucleotide of exon 39, which is part of the consensus splice site for this exon. This variant is not present in population databases (gnomAD no frequency). This variant has been observed in individual(s) with neurofibromatosis type 1 (Invitae). ClinVar contains an entry for this variant (Variation ID: 487463). An algorithm developed to predict the effect of missense changes on protein structure and function (PolyPhen-2) suggests that this variant is likely to be disruptive. Variants that disrupt the consensus splice site are a relatively common cause of aberrant splicing (PMID: 17576681, 9536098). Algorithms developed to predict the effect of sequence changes on RNA splicing suggest that this variant may disrupt the consensus splice site. For these reasons, this variant has been classified as Pathogenic.

Genome-Nilou Lab
Classification: Uncertain significance for Neurofibromatosis, type 1. Last evaluated: 2022-03-15. Review status: criteria provided, single submitter. Criteria: ACMG Guidelines, 2015. Collection method: clinical testing. Allele origin: germline. Affected: no.

Center for Genomics, Ann and Robert H. Lurie Children's Hospital of Chicago
Classification: Uncertain significance for Neurofibromatosis, type 1. Last evaluated: 2017-08-01. Review status: criteria provided, single submitter. Criteria: ACMG Guidelines, 2015. Collection method: clinical testing. Allele origin: germline.
Comment: NF1 NM_001042492.2 exon40 p.Gln2002His (c.6006G>C): This variant has not been reported in the literature and is not present in large control databases. Evolutionary conservation and computational predictive tools for this variant are unclear. Of note, a different variant resulting in the same amino acid change at this position has been reported in 1 individual with a clinical suspicion of NF1 (reported as c.5943G>C, p.Gln1981His, Bianchessi 2015 PMID:26740943). In summary, data on this variant is insufficient for disease classification. Therefore, the clinical significance of this variant is uncertain.

Juno Genomics, Hangzhou Juno Genomics, Inc
Classification: Uncertain significance for Neurofibromatosis, type 1; Juvenile myelomonocytic leukemia; Neurofibromatosis, familial spinal; Neurofibromatosis-Noonan syndrome; Café-au-lait macules with pulmonary stenosis. Review status: criteria provided, single submitter. Criteria: ACMG Guidelines, 2015. Collection method: clinical testing. Allele origin: germline. Affected: yes.
Comment: Absent from controls (or at extremely low frequency if recessive) in Genome Aggregation Database, Exome Sequencing Project, 1000 Genomes Project, or Exome Aggregation Consortium.;Multiple lines of computational evidence support a deleterious effect on the gene or gene product (conservation, evolutionary, splicing impact, etc).;The prevalence of the variant in affected individuals is significantly increased compared to the prevalence in controls.;Patient's phenotype or family history is highly specific for a disease with a single genetic etiology.

Literature cited by the submitters: PubMed 40225167 (cited by Myriad Genetics, Inc.); PubMed 26740943 (cited by Myriad Genetics, Inc.); PubMed 31766501 (cited by Myriad Genetics, Inc.); PubMed 33443663 (cited by Myriad Genetics, Inc.); PubMed 17576681 (cited by Labcorp Genetics (formerly Invitae), Labcorp); PubMed 9536098 (cited by Labcorp Genetics (formerly Invitae), Labcorp).